The following is an entry in ClinVar:

ClinVar aggregate classification (germline): Conflicting classifications of pathogenicity. Review status: criteria provided, conflicting classifications (1 of 4 stars). 24 submissions from 24 submitters: Uncertain significance (4); Benign (4); Likely benign (8). 8 of the submissions do not count toward it. Last evaluated 2026-02-03.

Conditions:
Facial dysmorphism-immunodeficiency-livedo-short stature syndrome. Also called: FILS syndrome; Facial dysmorphism, immunodeficiency, livedo, and short stature. Identifiers: Orphanet 352712, MedGen C3554576, MONDO:0014058, OMIM 615139.
Hereditary cancer-predisposing syndrome. Also called: Tumor predisposition; Hereditary Cancer Syndrome; Neoplastic Syndromes, Hereditary; Hereditary neoplastic syndrome. Identifiers: Orphanet 140162, MedGen C0027672, MeSH D009386, MONDO:0015356.
Colorectal cancer, susceptibility to, 12 (CRCS12). Also called: COLORECTAL CANCER, SUSCEPTIBILITY TO, ON CHROMOSOME 12q24. Identifiers: Orphanet 220460, MedGen C3554460, MONDO:0014038, OMIM 615083.
POLE-related disorder. Also called: POLE-related condition; POLE-related disorders.
Carcinoma of colon (CRC). Also called: Colonic carcinoma; Colon carcinoma. Identifiers: MedGen C0699790, MONDO:0002032.

Allele frequency attached by ClinVar (database versions not stated): 1000 Genomes Project 30x 0.00016; 1000 Genomes Project 0.00020; ExAC 0.00107; gnomAD exomes 0.00110; gnomAD 0.00157 and 0.00170; TOPMed 0.00162; ESP Exome Variant Server 0.00177.
gnomAD v4.1: 2,874 of 1,613,782 alleles (0.18%); highest among the groups gnomAD compares: Non-Finnish European, 0.22%; 3 homozygotes.

Submissions (24):

Labcorp Genetics (formerly Invitae), Labcorp
Classification: Likely benign. Last evaluated: 2026-02-03. Review status: criteria provided, single submitter. Criteria: Invitae Variant Classification Sherloc (09022015). Collection method: clinical testing. Allele origin: germline.

CeGaT Center for Human Genetics Tuebingen
Classification: Likely benign. Last evaluated: 2025-12-01. Review status: criteria provided, single submitter. Criteria: CeGaT Center For Human Genetics Tuebingen Variant Classification Criteria Version 2. Collection method: clinical testing. Allele origin: germline. Affected: yes. Observed: 9 variant alleles.
Comment: POLE: BP4, BS2

Center for Genomic Medicine, Rigshospitalet, Copenhagen University Hospital
Classification: Uncertain significance. Last evaluated: 2025-03-04. Review status: criteria provided, single submitter. Criteria: ACMG Guidelines, 2015. Collection method: clinical testing. Allele origin: germline.

Blueprint Genetics
Classification: Likely benign. Last evaluated: 2024-10-18. Review status: criteria provided, single submitter. Criteria: ACMG Guidelines, 2015. Collection method: clinical testing. Allele origin: germline.

Ambry Genetics
Classification: Benign for Hereditary cancer-predisposing syndrome. Last evaluated: 2024-02-28. Review status: criteria provided, single submitter. Criteria: Ambry Variant Classification Scheme 2023. Collection method: clinical testing. Allele origin: germline.

ARUP Laboratories, Molecular Genetics and Genomics, ARUP Laboratories
Classification: Likely benign. Last evaluated: 2024-01-09. Review status: criteria provided, single submitter. Criteria: ARUP Molecular Germline Variant Investigation Process 2024. Collection method: clinical testing. Allele origin: germline.

Mendelics
Classification: Benign for Colorectal cancer, susceptibility to, 12. Last evaluated: 2023-08-22. Review status: criteria provided, single submitter. Criteria: Mendelics Assertion Criteria 2019. Collection method: clinical testing. Allele origin: germline.

Mayo Clinic Laboratories, Mayo Clinic
Classification: Likely benign. Last evaluated: 2023-06-22. Review status: criteria provided, single submitter. Criteria: ACMG Guidelines, 2015. Collection method: clinical testing. Allele origin: germline. Observed: 6 variant alleles.
Comment: BS1, BP6

Institute for Clinical Genetics, University Hospital TU Dresden, University Hospital TU Dresden
Classification: Uncertain significance. Last evaluated: 2021-11-03. Review status: criteria provided, single submitter. Criteria: ACMG Guidelines, 2015. Collection method: clinical testing. Allele origin: germline.

Genetic Services Laboratory, University of Chicago
Classification: Likely benign. Last evaluated: 2021-09-21. Review status: criteria provided, single submitter. Criteria: ACMG Guidelines, 2015. Collection method: clinical testing. Allele origin: germline. Affected: no.

Baylor Genetics
Classification: Uncertain significance for Facial dysmorphism-immunodeficiency-livedo-short stature syndrome. Last evaluated: 2021-04-29. Review status: criteria provided, single submitter. Criteria: ACMG Guidelines, 2015. Collection method: clinical testing. Allele origin: unknown. Affected: yes. Study: CSER-TexasKidsCanSeq.
Comment: This variant was determined to be of uncertain significance according to ACMG Guidelines, 2015 [PMID:25741868].

GeneDx
Classification: Likely benign. Last evaluated: 2020-12-09. Review status: criteria provided, single submitter. Criteria: GeneDx Variant Classification Process June 2021. Collection method: clinical testing. Allele origin: germline. Affected: yes.
Comment: This variant is associated with the following publications: (PMID: 25801821, 29458332, 30171174, 29320758)

Sema4
Classification: Benign for Hereditary cancer-predisposing syndrome. Last evaluated: 2020-11-17. Review status: criteria provided, single submitter. Criteria: Sema4 Curation Guidelines. Collection method: curation. Allele origin: germline.

Women's Health and Genetics/Laboratory Corporation of America, LabCorp
Classification: Benign. Last evaluated: 2017-06-23. Review status: criteria provided, single submitter. Criteria: LabCorp Variant Classification Summary - May 2015. Collection method: clinical testing. Allele origin: germline.
Comment: Variant summary: The POLE c.4523G>A (p.Arg1508His) variant involves the alteration of a conserved nucleotide. 2/4 in silico tools predict a benign outcome for this variant. This variant was found in 128/120124 control chromosomes at a frequency of 0.0010656, which is approximately 75 times the estimated maximal expected allele frequency of a pathogenic POLE variant (0.0000142), suggesting this variant is likely a benign polymorphism. In addition, multiple clinical diagnostic laboratories/reputable databases classified this variant as likely benign. Taken together, this variant is classified as benign.

Quest Diagnostics Nichols Institute San Juan Capistrano
Classification: Uncertain significance. Last evaluated: 2017-03-25. Review status: criteria provided, single submitter. Criteria: Quest Diagnostics criteria. Collection method: clinical testing. Allele origin: germline.

Laboratory for Molecular Medicine, Mass General Brigham Personalized Medicine
Classification: Likely benign. Last evaluated: 2016-10-31. Review status: criteria provided, single submitter. Criteria: LMM Criteria. Collection method: clinical testing. Allele origin: germline.
Comment: Variant identified in a genome or exome case(s) and assessed due to predicted null impact of the variant or pathogenic assertions in the literature or databases. Disclaimer: This variant has not undergone full assessment. The following are preliminary notes: This variant is not present in HGMD and has not been reported in affected individuals. It is classified in ClinVar with 1 star as Likely Benign by Invitae and VUS by GeneDx. It is present in ExAC with a frequency of 0.27% (high frequency for disease incidence and gene contribution). 2 mammals have a Histidine at this position.

PreventionGenetics, part of Exact Sciences
Classification: Likely benign for POLE-related condition. Last evaluated: 2022-03-17. Review status: no assertion criteria provided. Collection method: clinical testing. Allele origin: germline. Not counted in ClinVar's aggregate classification.
Comment: This variant is classified as likely benign based on ACMG/AMP sequence variant interpretation guidelines (Richards et al. 2015 PMID: 25741868, with internal and published modifications).

True Health Diagnostics
Classification: Uncertain significance for Hereditary cancer-predisposing syndrome. Last evaluated: 2018-03-15. Review status: no assertion criteria provided. Collection method: clinical testing. Allele origin: germline. Not counted in ClinVar's aggregate classification.

Clinical Genetics DNA and cytogenetics Diagnostics Lab, Erasmus MC, Erasmus Medical Center
Classification: Likely benign. Review status: no assertion criteria provided. Collection method: clinical testing. Allele origin: germline. Affected: yes. Study: VKGL Data-share Consensus. Not counted in ClinVar's aggregate classification.

Clinical Genetics Laboratory, Department of Pathology, Netherlands Cancer Institute
Classification: Likely benign. Review status: no assertion criteria provided. Collection method: clinical testing. Allele origin: germline. Affected: yes. Study: VKGL Data-share Consensus. Not counted in ClinVar's aggregate classification.

Clinical Genetics, Academic Medical Center
Classification: Likely benign. Review status: no assertion criteria provided. Collection method: clinical testing. Allele origin: germline. Affected: yes. Study: VKGL Data-share Consensus. Not counted in ClinVar's aggregate classification.

Department of Pathology and Laboratory Medicine, Sinai Health System
Classification: Likely benign for Carcinoma of colon. Review status: no assertion criteria provided. Collection method: clinical testing. Allele origin: unknown. Affected: yes. Study: The Canadian Open Genetics Repository (COGR). Not counted in ClinVar's aggregate classification.
Comment: The POLE p.Arg1508His variant was not identified in the literature. The variant was identified in dbSNP (ID: rs142508245) as "With other allele ", ClinVar (classified as benign by Integrated Genetics/Laboratory Corporation of America; as likely benign by Invitae, Laboratory for Molecular Medicine, Partners HealthCare Personalized Medicine; as uncertain significance by GeneDx, Ambry Genetics and Quest Diagnostics Nichols Institute San Juan Capistrano), Clinvitae, Cosmic (1x stomach), MutDB, or LOVD 3.0 (3x likely benign). The variant was identified in control databases in 309 of 272998 chromosomes at a frequency of 0.001 increasing the likelihood this could be a low frequency benign variant (Genome Aggregation Database Feb 27, 2017). It was observed in the following populations: African in 54 of 23804 chromosomes (freq: 0.002), Other in 9 of 6386 chromosomes (freq: 0.001), Latino in 34 of 34334 chromosomes (freq: 0.001), European in 200 of 123186 chromosomes (freq: 0.002), Ashkenazi Jewish in 6 of 10012 chromosomes (freq: 0.001), Finnish in 5 of 25736 chromosomes (freq: 0.0002), and South Asian in 1 of 30718 chromosomes (freq: 0.00003); it was not observed in the East Asian population. The p.Arg1508 residue is conserved in mammals but not in more distantly related organisms however four out of five computational analyses (PolyPhen-2, SIFT, AlignGVGD, BLOSUM, MutationTaster) do not suggest a high likelihood of impact to the protein; this information is not predictive enough to rule out pathogenicity. The variant occurs outside of the splicing consensus sequence and in silico or computational prediction software programs (SpliceSiteFinder, MaxEntScan, NNSPLICE, GeneSplicer, HumanSpliceFinder) do not predict a difference in splicing. In summary, based on the above information the clinical significance of this variant cannot be determined with certainty at this time although we would lean towards a more benign role for this variant. This variant is classified as likely benign.

Genome Diagnostics Laboratory, Amsterdam University Medical Center
Classification: Likely benign. Review status: no assertion criteria provided. Collection method: clinical testing. Allele origin: germline. Affected: yes. Study: VKGL Data-share Consensus. Not counted in ClinVar's aggregate classification.

Genome Diagnostics Laboratory, University Medical Center Utrecht
Classification: Likely benign. Review status: no assertion criteria provided. Collection method: clinical testing. Allele origin: germline. Affected: yes. Study: VKGL Data-share Consensus. Not counted in ClinVar's aggregate classification.

Literature cited by the submitters: PubMed 29458332 (cited by Center for Genomic Medicine, Rigshospitalet, Copenhagen University Hospital); PubMed 32522261 (cited by Center for Genomic Medicine, Rigshospitalet, Copenhagen University Hospital).

NM_006231.4(POLE):c.4523G>A (p.Arg1508His)

Gene: POLE (DNA polymerase epsilon, catalytic subunit; minus strand). Cytogenetic location: 12q24.33.
Variant type: single nucleotide variant.
Coding change: c.4523G>A on transcript NM_006231.4 (MANE Select); coding-DNA position 4523, G replaced by A.
Protein change: p.Arg1508His; replaces arginine 1508 with histidine.
Molecular consequence: missense variant.
Genome position (GRCh38, 1-based): chr12:132,643,252, C>T on the plus strand (G>A on the coding strand, the complement: POLE is on the minus strand). VCF-style: chr12-132643252-C-T. GRCh37 (hg19) VCF-style: chr12-133219838-C-T.
Other names: short protein forms R1508H.
Identifiers: ClinVar variation 240525 (VCV000240525.72), dbSNP rs142508245, ClinGen allele CA6892818.